The following is an entry in ClinVar:

ClinVar aggregate classification (germline): Conflicting classifications of pathogenicity. Review status: criteria provided, conflicting classifications (1 of 4 stars). 2 submissions from 2 submitters: Likely pathogenic (1); Uncertain significance (1). Last evaluated 2024-10-24.

Conditions:
Marfan syndrome (MFS). Also called: MARFAN SYNDROME, TYPE I; Marfan syndrome type 1; Marfan's syndrome; Marfan syndrome, classic; FBN1-Related Marfan Syndrome. Identifiers: Orphanet 284963, Orphanet 558, MedGen C0024796, MONDO:0007947, OMIM 154700.
Familial thoracic aortic aneurysm and aortic dissection (TAAD). Also called: Thoracic aortic aneurysms and dissections. Identifiers: Orphanet 91387, MedGen C4707243, MONDO:0019625.

Submissions (2):

Labcorp Genetics (formerly Invitae), Labcorp
Classification: Likely pathogenic for Marfan syndrome; Familial thoracic aortic aneurysm and aortic dissection. Last evaluated: 2024-10-24. Review status: criteria provided, single submitter. Criteria: Invitae Variant Classification Sherloc (09022015). Collection method: clinical testing. Allele origin: germline.
Comment: This sequence change replaces glycine, which is neutral and non-polar, with valine, which is neutral and non-polar, at codon 1754 of the FBN1 protein (p.Gly1754Val). This variant is not present in population databases (gnomAD no frequency). This variant has not been reported in the literature in individuals affected with FBN1-related conditions. Invitae Evidence Modeling of protein sequence and biophysical properties (such as structural, functional, and spatial information, amino acid conservation, physicochemical variation, residue mobility, and thermodynamic stability) indicates that this missense variant is expected to disrupt FBN1 protein function with a positive predictive value of 95%. This variant disrupts the p.Gly1754 amino acid residue in FBN1. Other variant(s) that disrupt this residue have been determined to be pathogenic (PMID: 33030311). This suggests that this residue is clinically significant, and that variants that disrupt this residue are likely to be disease-causing. In summary, the currently available evidence indicates that the variant is pathogenic, but additional data are needed to prove that conclusively. Therefore, this variant has been classified as Likely Pathogenic.

GeneDx
Classification: Uncertain significance. Last evaluated: 2023-12-20. Review status: criteria provided, single submitter. Criteria: GeneDx Variant Classification Process June 2021. Collection method: clinical testing. Allele origin: germline. Affected: yes.
Comment: Not observed at significant frequency in large population cohorts (gnomAD); In silico analysis supports that this missense variant has a deleterious effect on protein structure/function; Has not been previously published as pathogenic or benign to our knowledge; Does not affect a cysteine residue within a calcium-binding EGF-like domain or a TGF-binding protein domain of the FBN1 gene; cysteine substitutions in the calcium-binding EGF-like domains represent the majority of pathogenic missense changes associated with FBN1-related disorders (PMID: 12938084); This variant is associated with the following publications: (PMID: 12938084)

Literature cited by the submitters: PubMed 33030311 (cited by Labcorp Genetics (formerly Invitae), Labcorp).

NM_000138.5(FBN1):c.5261G>T (p.Gly1754Val)

Gene: FBN1 (fibrillin 1; minus strand). Cytogenetic location: 15q21.1.
Variant type: single nucleotide variant.
Coding change: c.5261G>T on transcript NM_000138.5 (MANE Select); coding-DNA position 5261, G replaced by T.
Protein change: p.Gly1754Val; replaces glycine 1754 with valine.
Molecular consequence: missense variant.
Genome position (GRCh38, 1-based): chr15:48,460,281, C>A on the plus strand (G>T on the coding strand, the complement: FBN1 is on the minus strand). VCF-style: chr15-48460281-C-A. GRCh37 (hg19) VCF-style: chr15-48752478-C-A.
Other names: c.5261G>T, p.Gly1754Val (NM_001406716.1); short protein forms G1754V.
Identifiers: ClinVar variation 2946404 (VCV002946404.4), dbSNP rs2505485551, ClinGen allele CA392348023.